The following is an entry in ClinVar:

ClinVar aggregate classification (germline): Uncertain significance (1 of 4 stars; one submission).

Conditions:
Inborn genetic diseases. Identifiers: MedGen C0950123, MeSH D030342.

Submission:

Ambry Genetics
Classification: Uncertain significance for Inborn genetic diseases. Last evaluated: 2024-05-01. Review status: criteria provided, single submitter. Criteria: Ambry Variant Classification Scheme 2023. Collection method: clinical testing. Allele origin: germline.
Comment: The p.V819M variant (also known as c.2455G>A), located in coding exon 15 of the EPAS1 gene, results from a G to A substitution at nucleotide position 2455. The valine at codon 819 is replaced by methionine, an amino acid with highly similar properties. This amino acid position is conserved. In addition, this alteration is predicted to be tolerated by in silico analysis. Based on the available evidence, the clinical significance of this variant remains unclear.

NM_001430.5(EPAS1):c.2455G>A (p.Val819Met)

Gene: EPAS1 (endothelial PAS domain protein 1; plus strand). Cytogenetic location: 2p21.
Variant type: single nucleotide variant.
Coding change: c.2455G>A on transcript NM_001430.5 (MANE Select); coding-DNA position 2455, G replaced by A.
Protein change: p.Val819Met; replaces valine 819 with methionine.
Molecular consequence: missense variant.
Genome position (GRCh38, 1-based): chr2:46,382,592, G>A. VCF-style: chr2-46382592-G-A. GRCh37 (hg19) VCF-style: chr2-46609731-G-A.
Other names: short protein forms V819M.
Identifiers: ClinVar variation 3275714 (VCV003275714.1).